The following is an entry in ClinVar:

NM_004168.4(SDHA):c.1374G>A (p.Leu458=)

Gene: SDHA (succinate dehydrogenase complex flavoprotein subunit A; plus strand). Cytogenetic location: 5p15.33.
Variant type: single nucleotide variant.
Coding change: c.1374G>A on transcript NM_004168.4 (MANE Select); coding-DNA position 1374, G replaced by A.
Protein change: p.Leu458=; no amino-acid change (leucine 458 retained).
Molecular consequence: synonymous variant.
Genome position (GRCh38, 1-based): chr5:236,541, G>A. VCF-style: chr5-236541-G-A. GRCh37 (hg19) VCF-style: chr5-236656-G-A.
Other names: c.1230G>A, p.Leu410= (NM_001294332.2); c.1374G>A, p.Leu458= (NM_001330758.2).
Identifiers: ClinVar variation 855281 (VCV000855281.11), dbSNP rs1735797053, ClinGen allele CA442692126.

ClinVar aggregate classification (germline): Benign/Likely benign. Review status: criteria provided, multiple submitters, no conflicts (2 of 4 stars). 2 submissions from 2 submitters: Benign (1); Likely benign (1). Last evaluated 2025-11-17.

Conditions:
Pheochromocytoma/paraganglioma syndrome 5. Also called: Paragangliomas 5; SDHA-Related Hereditary Paraganglioma-Pheochromocytoma Syndrome. Identifiers: Orphanet 29072, MedGen C3279992, MONDO:0013602, OMIM 614165.
Mitochondrial complex II deficiency, nuclear type 1. Also called: SUCCINATE CoQ REDUCTASE DEFICIENCY. Identifiers: Orphanet 3208, MedGen C5700310, MONDO:0100294, OMIM 252011.

Submissions (2):

Labcorp Genetics (formerly Invitae), Labcorp
Classification: Likely benign for Pheochromocytoma/paraganglioma syndrome 5; Mitochondrial complex II deficiency, nuclear type 1. Last evaluated: 2025-11-17. Review status: criteria provided, single submitter. Criteria: Invitae Variant Classification Sherloc (09022015). Collection method: clinical testing. Allele origin: germline.

Myriad Genetics, Inc.
Classification: Benign for Pheochromocytoma/paraganglioma syndrome 5. Last evaluated: 2025-03-10. Review status: criteria provided, single submitter. Criteria: Myriad Autosomal Dominant, Autosomal Recessive and X-Linked Classification Criteria (2023). Collection method: clinical testing. Allele origin: unknown.
Comment: This variant is considered benign. This variant is a silent/synonymous amino acid change and it is not expected to impact splicing.